The following is an entry in ClinVar:

NM_004304.5(ALK):c.1550A>G (p.His517Arg)

Gene: ALK (ALK receptor tyrosine kinase; minus strand). Cytogenetic location: 2p23.2.
Variant type: single nucleotide variant.
Coding change: c.1550A>G on transcript NM_004304.5 (MANE Select); coding-DNA position 1550, A replaced by G.
Protein change: p.His517Arg; replaces histidine 517 with arginine.
Molecular consequence: missense variant.
Genome position (GRCh38, 1-based): chr2:29,318,401, T>C on the plus strand (A>G on the coding strand, the complement: ALK is on the minus strand). VCF-style: chr2-29318401-T-C. GRCh37 (hg19) VCF-style: chr2-29541267-T-C.
Other names: short protein forms H517R.
Identifiers: ClinVar variation 335707 (VCV000335707.21), dbSNP rs367674546, ClinGen allele CA1594612.

ClinVar aggregate classification (germline): Conflicting classifications of pathogenicity. Review status: criteria provided, conflicting classifications (1 of 4 stars). 5 submissions from 5 submitters: Uncertain significance (3); Likely benign (2). Last evaluated 2025-12-10.

Conditions:
Familial isolated pituitary adenoma. Identifiers: Orphanet 314777, MedGen C2676191, MONDO:0017824.
Neuroblastoma, susceptibility to, 3. Also called: ALK-Related Neuroblastic Tumor Susceptibility. Identifiers: Orphanet 635, MedGen C2751681, MONDO:0013083, OMIM 613014.
Hereditary cancer-predisposing syndrome. Also called: Tumor predisposition; Hereditary Cancer Syndrome; Neoplastic Syndromes, Hereditary; Hereditary neoplastic syndrome. Identifiers: Orphanet 140162, MedGen C0027672, MeSH D009386, MONDO:0015356.

Allele frequency attached by ClinVar (database versions not stated): ExAC 0.00002; gnomAD 0.00007 and 0.00008; ESP Exome Variant Server 0.00008; TOPMed 0.00009.
gnomAD v4.1: 32 of 1,610,466 alleles (0.002%); highest among the groups gnomAD compares: African/African-American, 0.031%; no homozygotes.

Submissions (5):

Labcorp Genetics (formerly Invitae), Labcorp
Classification: Uncertain significance for Neuroblastoma, susceptibility to, 3. Last evaluated: 2025-12-10. Review status: criteria provided, single submitter. Criteria: Invitae Variant Classification Sherloc (09022015). Collection method: clinical testing. Allele origin: germline.
Comment: This sequence change replaces histidine, which is basic and polar, with arginine, which is basic and polar, at codon 517 of the ALK protein (p.His517Arg). This variant is present in population databases (rs367674546, gnomAD 0.04%). This variant has not been reported in the literature in individuals affected with ALK-related conditions. ClinVar contains an entry for this variant (Variation ID: 335707). An algorithm developed to predict the effect of missense changes on protein structure and function outputs the following: PolyPhen-2: "Benign". The arginine amino acid residue is found in multiple mammalian species, which suggests that this missense change does not adversely affect protein function. In summary, the available evidence is currently insufficient to determine the role of this variant in disease. Therefore, it has been classified as a Variant of Uncertain Significance.

GeneDx
Classification: Uncertain significance. Last evaluated: 2023-12-22. Review status: criteria provided, single submitter. Criteria: GeneDx Variant Classification Process June 2021. Collection method: clinical testing. Allele origin: germline. Affected: yes.
Comment: In silico analysis supports that this missense variant does not alter protein structure/function; Has not been previously published as pathogenic or benign to our knowledge

Ambry Genetics
Classification: Likely benign for Hereditary cancer-predisposing syndrome. Last evaluated: 2022-02-16. Review status: criteria provided, single submitter. Criteria: Ambry Variant Classification Scheme 2023. Collection method: clinical testing. Allele origin: germline.

St. Jude Molecular Pathology, St. Jude Children's Research Hospital
Classification: Uncertain significance for Familial isolated pituitary adenoma. Last evaluated: 2021-06-04. Review status: criteria provided, single submitter. Criteria: St. Jude Assertion Criteria 2020. Collection method: clinical testing. Allele origin: germline.
Comment: The ALK c.1550A>G (p.His517Arg) missense change has a maximum subpopulation frequency of 0.04% in gnomAD v2.1.1. Six of six in silico tools predict a benign effect of this variant on protein function (BP4), but to our knowledge these predictions have not been confirmed by functional assays. To our knowledge, this variant has not been reported in the literature in individuals with ALK-related neuroblastic tumor susceptibility. In summary, this variant meets criteria to be classified as of uncertain significance based on the ACMG/AMP criteria: BP4.

Illumina Laboratory Services, Illumina
Classification: Likely benign for Neuroblastoma, susceptibility to, 3. Last evaluated: 2018-01-12. Review status: criteria provided, single submitter. Criteria: ICSL Variant Classification Criteria 13 December 2019. Collection method: clinical testing. Allele origin: germline.
Comment: This variant was observed in the ICSL laboratory as part of a predisposition screen in an ostensibly healthy population. It had not been previously curated by ICSL or reported in the Human Gene Mutation Database (HGMD: prior to June 1st, 2018), and was therefore a candidate for classification through an automated scoring system. Utilizing variant allele frequency, disease prevalence and penetrance estimates, and inheritance mode, an automated score was calculated to assess if this variant is too frequent to cause the disease. Based on the score and internal cut-off values, a variant classified as likely benign is not then subjected to further curation. The score for this variant resulted in a classification of likely benign for this disease.